The following is an entry in ClinVar:

ClinVar aggregate classification (germline): Uncertain significance (1 of 4 stars; one submission).

Allele frequency attached by ClinVar (database versions not stated): TOPMed below 0.00001; ExAC 0.00001; gnomAD 0.00001; gnomAD exomes 0.00001.
gnomAD v4.1: 9 of 1,577,210 alleles (0.00057%); highest among the groups gnomAD compares: Non-Finnish European, 0.00061%; no homozygotes.

Submission:

Labcorp Genetics (formerly Invitae), Labcorp
Classification: Uncertain significance. Last evaluated: 2024-10-15. Review status: criteria provided, single submitter. Criteria: Invitae Variant Classification Sherloc (09022015). Collection method: clinical testing. Allele origin: germline.
Comment: This sequence change falls in intron 16 of the PDE6A gene. It does not directly change the encoded amino acid sequence of the PDE6A protein. The frequency data for this variant in the population databases is considered unreliable, as metrics indicate poor data quality at this position in the gnomAD database. This variant has not been reported in the literature in individuals affected with PDE6A-related conditions. ClinVar contains an entry for this variant (Variation ID: 2187418). Algorithms developed to predict the effect of sequence changes on RNA splicing suggest that this variant may disrupt the consensus splice site. In summary, the available evidence is currently insufficient to determine the role of this variant in disease. Therefore, it has been classified as a Variant of Uncertain Significance.

NM_000440.3(PDE6A):c.2028-10T>C

Gene: PDE6A (phosphodiesterase 6A; minus strand). Cytogenetic location: 5q32.
Variant type: single nucleotide variant.
Coding change: c.2028-10T>C on transcript NM_000440.3 (MANE Select); 10 bases into the intron before coding-DNA position 2028, T replaced by C.
Molecular consequence: intron variant.
Genome position (GRCh38, 1-based): chr5:149,883,546, A>G on the plus strand (T>C on the coding strand, the complement: PDE6A is on the minus strand). VCF-style: chr5-149883546-A-G. GRCh37 (hg19) VCF-style: chr5-149263109-A-G.
Identifiers: ClinVar variation 2187418 (VCV002187418.3), dbSNP rs766797276, ClinGen allele CA3504426.